The following is an entry in ClinVar:

NM_000346.4(SOX9):c.48G>A (p.Lys16=)

Genes: SOX9 (SRY-box transcription factor 9; plus strand), LOC108021846 (SOX9 promoter region; plus strand). Cytogenetic location: 17q24.3.
Variant type: single nucleotide variant.
Coding change: c.48G>A on transcript NM_000346.4 (MANE Select); coding-DNA position 48, G replaced by A.
Protein change: p.Lys16=; no amino-acid change (lysine 16 retained).
Molecular consequence: synonymous variant.
Genome position (GRCh38, 1-based): chr17:72,121,439, G>A. VCF-style: chr17-72121439-G-A. GRCh37 (hg19) VCF-style: chr17-70117580-G-A.
Identifiers: ClinVar variation 705752 (VCV000705752.12), dbSNP rs1412757423, ClinGen allele CA501432375.

ClinVar aggregate classification (germline): Likely benign. Review status: criteria provided, multiple submitters, no conflicts (2 of 4 stars). 3 submissions from 3 submitters: Likely benign (2). 1 of the submissions does not count toward it. Last evaluated 2024-11-05.

Conditions:
SOX9-related disorder. Also called: SOX9-related condition.
Camptomelic dysplasia (CMPD). Also called: CMPD1/SRA1; Campomelic Dysplasia. Identifiers: Orphanet 140, MedGen C1861922, MONDO:0007251, OMIM 114290.

Allele frequency attached by ClinVar (database versions not stated): gnomAD exomes 0.00002; TOPMed 0.00002.
gnomAD v4.1: 10 of 1,612,798 alleles (0.00062%); highest among the groups gnomAD compares: Admixed American, 0.017%; no homozygotes.

Submissions (3):

Labcorp Genetics (formerly Invitae), Labcorp
Classification: Likely benign for Camptomelic dysplasia. Last evaluated: 2024-11-05. Review status: criteria provided, single submitter. Criteria: Invitae Variant Classification Sherloc (09022015). Collection method: clinical testing. Allele origin: germline.

GeneDx
Classification: Likely benign. Last evaluated: 2020-07-27. Review status: criteria provided, single submitter. Criteria: GeneDx Variant Classification Process June 2021. Collection method: clinical testing. Allele origin: germline. Affected: yes.

PreventionGenetics, part of Exact Sciences
Classification: Likely benign for SOX9-related condition. Last evaluated: 2023-01-13. Review status: no assertion criteria provided. Collection method: clinical testing. Allele origin: germline. Not counted in ClinVar's aggregate classification.
Comment: This variant is classified as likely benign based on ACMG/AMP sequence variant interpretation guidelines (Richards et al. 2015 PMID: 25741868, with internal and published modifications).